The following is an entry in ClinVar:

ClinVar aggregate classification (germline): Uncertain significance (1 of 4 stars; one submission).

Conditions:
Fanconi anemia (FA). Also called: Fanconi's anemia. Identifiers: Orphanet 84, MedGen C0015625, MeSH D005199, MONDO:0019391.

gnomAD v4.1: 1 of 1,613,690 alleles (0.000062%); highest among the groups gnomAD compares: Admixed American, 0.0017%; no homozygotes.

Submission:

Labcorp Genetics (formerly Invitae), Labcorp
Classification: Uncertain significance for Fanconi anemia. Last evaluated: 2025-04-08. Review status: criteria provided, single submitter. Criteria: Invitae Variant Classification Sherloc (09022015). Collection method: clinical testing. Allele origin: germline.
Comment: This sequence change replaces serine, which is neutral and polar, with asparagine, which is neutral and polar, at codon 777 of the FANCA protein (p.Ser777Asn). This variant is not present in population databases (gnomAD no frequency). This variant has not been reported in the literature in individuals affected with FANCA-related conditions. ClinVar contains an entry for this variant (Variation ID: 3690937). Invitae Evidence Modeling of protein sequence and biophysical properties (such as structural, functional, and spatial information, amino acid conservation, physicochemical variation, residue mobility, and thermodynamic stability) indicates that this missense variant is not expected to disrupt FANCA protein function with a negative predictive value of 95%. In summary, the available evidence is currently insufficient to determine the role of this variant in disease. Therefore, it has been classified as a Variant of Uncertain Significance.

NM_000135.4(FANCA):c.2330G>A (p.Ser777Asn)

Gene: FANCA (FA complementation group A; minus strand). Cytogenetic location: 16q24.3.
Variant type: single nucleotide variant.
Coding change: c.2330G>A on transcript NM_000135.4 (MANE Select); coding-DNA position 2330, G replaced by A.
Protein change: p.Ser777Asn; replaces serine 777 with asparagine.
Molecular consequence: missense variant.
Genome position (GRCh38, 1-based): chr16:89,770,011, C>T on the plus strand (G>A on the coding strand, the complement: FANCA is on the minus strand). VCF-style: chr16-89770011-C-T. GRCh37 (hg19) VCF-style: chr16-89836419-C-T.
Other names: c.2330G>A, p.Ser777Asn (NM_001286167.3); short protein forms S777N.
Identifiers: ClinVar variation 3690937 (VCV003690937.2).